The following is an entry in ClinVar:

ClinVar aggregate classification (germline): Uncertain significance (1 of 4 stars; one submission).

Conditions:
Alagille syndrome due to a JAG1 point mutation. Also called: JAG1-Related Alagille Syndrome; HEPATIC DUCTULAR HYPOPLASIA, SYNDROMATIC; Alagille Syndrome 1. Identifiers: Orphanet 261619, Orphanet 52, MedGen C1956125, MONDO:0016862, OMIM 118450.

Submission:

Labcorp Genetics (formerly Invitae), Labcorp
Classification: Uncertain significance for Alagille syndrome due to a JAG1 point mutation. Last evaluated: 2024-04-25. Review status: criteria provided, single submitter. Criteria: Invitae Variant Classification Sherloc (09022015). Collection method: clinical testing. Allele origin: germline.
Comment: This sequence change replaces asparagine, which is neutral and polar, with histidine, which is basic and polar, at codon 715 of the JAG1 protein (p.Asn715His). This variant is not present in population databases (gnomAD no frequency). This variant has not been reported in the literature in individuals affected with JAG1-related conditions. ClinVar contains an entry for this variant (Variation ID: 2055337). Advanced modeling of protein sequence and biophysical properties (such as structural, functional, and spatial information, amino acid conservation, physicochemical variation, residue mobility, and thermodynamic stability) has been performed at Invitae for this missense variant, however the output from this modeling did not meet the statistical confidence thresholds required to predict the impact of this variant on JAG1 protein function. In summary, the available evidence is currently insufficient to determine the role of this variant in disease. Therefore, it has been classified as a Variant of Uncertain Significance.

NM_000214.3(JAG1):c.2143A>C (p.Asn715His)

Gene: JAG1 (jagged canonical Notch ligand 1; minus strand). Cytogenetic location: 20p12.2.
Variant type: single nucleotide variant.
Coding change: c.2143A>C on transcript NM_000214.3 (MANE Select); coding-DNA position 2143, A replaced by C.
Protein change: p.Asn715His; replaces asparagine 715 with histidine.
Molecular consequence: missense variant.
Genome position (GRCh38, 1-based): chr20:10,645,227, T>G on the plus strand (A>C on the coding strand, the complement: JAG1 is on the minus strand). VCF-style: chr20-10645227-T-G. GRCh37 (hg19) VCF-style: chr20-10625875-T-G.
Other names: short protein forms N715H.
Identifiers: ClinVar variation 2055337 (VCV002055337.4), dbSNP rs2514513360, ClinGen allele CA408235294.